The following is an entry in ClinVar:

ClinVar aggregate classification (germline): Pathogenic (1 of 4 stars; one submission).

Conditions:
Fanconi anemia (FA). Also called: Fanconi's anemia. Identifiers: Orphanet 84, MedGen C0015625, MeSH D005199, MONDO:0019391.

Submission:

Labcorp Genetics (formerly Invitae), Labcorp
Classification: Pathogenic for Fanconi anemia. Last evaluated: 2023-06-23. Review status: criteria provided, single submitter. Criteria: Invitae Variant Classification Sherloc (09022015). Collection method: clinical testing. Allele origin: unknown.
Comment: This variant is a gross deletion of the genomic region encompassing exon(s) 6 of the FANCA gene. This deletion is out-of-frame, and is expected to create a premature termination codon and result in an absent or disrupted protein product. Loss-of-function variants in FANCA are known to be pathogenic (PMID: 19367192). A similar copy number variant has been observed in individual(s) with Fanconi anemia (PMID: 26799702, 30792206). For these reasons, this variant has been classified as Pathogenic.

Literature cited by the submitters: PubMed 19367192; PubMed 26799702; PubMed 30792206.

NC_000016.9:g.(?_89874682)_(89874795_?)del

Gene: FANCA (FA complementation group A; minus strand). Cytogenetic location: 16q24.3.
Variant type: Deletion.
Identifiers: ClinVar variation 3243227 (VCV003243227.1).